The following is an entry in ClinVar:

ClinVar aggregate classification (germline): Uncertain significance (1 of 4 stars; one submission).

Submission:

Labcorp Genetics (formerly Invitae), Labcorp
Classification: Uncertain significance. Last evaluated: 2024-10-16. Review status: criteria provided, single submitter. Criteria: Invitae Variant Classification Sherloc (09022015). Collection method: clinical testing. Allele origin: germline.
Comment: This sequence change falls in intron 7 of the CUL3 gene. It does not directly change the encoded amino acid sequence of the CUL3 protein. This variant is not present in population databases (gnomAD no frequency). This variant has not been reported in the literature in individuals affected with CUL3-related conditions. Algorithms developed to predict the effect of sequence changes on RNA splicing suggest that this variant may disrupt the consensus splice site. In summary, the available evidence is currently insufficient to determine the role of this variant in disease. Therefore, it has been classified as a Variant of Uncertain Significance.

NM_003590.5(CUL3):c.1030-8T>G

Gene: CUL3 (cullin 3; minus strand). Cytogenetic location: 2q36.2.
Variant type: single nucleotide variant.
Coding change: c.1030-8T>G on transcript NM_003590.5 (MANE Select); 8 bases into the intron before coding-DNA position 1030, T replaced by G.
Molecular consequence: intron variant.
Genome position (GRCh38, 1-based): chr2:224,506,140, A>C on the plus strand (T>G on the coding strand, the complement: CUL3 is on the minus strand). VCF-style: chr2-224506140-A-C. GRCh37 (hg19) VCF-style: chr2-225370857-A-C.
Other names: c.832-8T>G (NM_001257197.2); c.1048-8T>G (NM_001257198.2).
Identifiers: ClinVar variation 3723075 (VCV003723075.2).